The following is an entry in ClinVar:

NM_021930.6(RINT1):c.310C>T (p.Arg104Ter)

Gene: RINT1 (RAD50 interactor 1; plus strand). Cytogenetic location: 7q22.3.
Variant type: single nucleotide variant.
Coding change: c.310C>T on transcript NM_021930.6 (MANE Select); coding-DNA position 310, C replaced by T.
Protein change: p.Arg104Ter; replaces arginine 104 with a stop codon.
Molecular consequence: nonsense. On other transcripts: 5 prime UTR variant (3), non-coding transcript variant (1).
Genome position (GRCh38, 1-based): chr7:105,542,444, C>T. VCF-style: chr7-105542444-C-T. GRCh37 (hg19) VCF-style: chr7-105182891-C-T.
Other names: c.76C>T, p.Arg26Ter (NM_001346599.2); c.-710C>T (NM_001346600.2); c.-613C>T (NM_001346601.2); c.-233C>T (NM_001346603.2); short protein forms R104*, R26*.
Identifiers: ClinVar variation 657219 (VCV000657219.34), dbSNP rs777242801, ClinGen allele CA164048585.
Genomic context (GRCh38, chr7:105,542,444, plus strand): 5'-TTTCTTTTTTAAAATTATGGTCAGGTACTTACAATTTCATCAGAAATTCCTAAAAGAATT[C>T]GAAGTGCCTTAAAAAATGCAGAAGAATCAAAGCAATTTCTTAATCAGTTTCTGGAGCAGG-3'

ClinVar aggregate classification (germline): Conflicting classifications of pathogenicity. Review status: criteria provided, conflicting classifications (1 of 4 stars). 3 submissions from 3 submitters: Pathogenic (1); Uncertain significance (2). Last evaluated 2023-11-11.

gnomAD v4.1: 7 of 1,611,150 alleles (0.00043%); highest among the groups gnomAD compares: Non-Finnish European, 0.00059%; no homozygotes.

Submissions (3):

Labcorp Genetics (formerly Invitae), Labcorp
Classification: Pathogenic. Last evaluated: 2023-11-11. Review status: criteria provided, single submitter. Criteria: Invitae Variant Classification Sherloc (09022015). Collection method: clinical testing. Allele origin: germline.
Comment: This sequence change creates a premature translational stop signal (p.Arg104*) in the RINT1 gene. It is expected to result in an absent or disrupted protein product. Loss-of-function variants in RINT1 are known to be pathogenic (PMID: 31204009). The frequency data for this variant in the population databases is considered unreliable, as metrics indicate poor data quality at this position in the gnomAD database. This variant has not been reported in the literature in individuals affected with RINT1-related conditions. ClinVar contains an entry for this variant (Variation ID: 657219). For these reasons, this variant has been classified as Pathogenic.

Ambry Genetics
Classification: Uncertain significance. Last evaluated: 2023-02-02. Review status: criteria provided, single submitter. Criteria: Ambry Variant Classification Scheme 2023. Collection method: clinical testing. Allele origin: germline.
Comment: The p.R104* variant (also known as c.310C>T), located in coding exon 4 of the RINT1 gene, results from a C to T substitution at nucleotide position 310. This changes the amino acid from an arginine to a stop codon within coding exon 4. This alteration is expected to result in loss of function by premature protein truncation or nonsense-mediated mRNA decay. The evidence for this gene-disease relationship is limited; therefore, the clinical significance of this alteration is unclear.

CeGaT Center for Human Genetics Tuebingen
Classification: Uncertain significance. Last evaluated: 2022-05-01. Review status: criteria provided, single submitter. Criteria: CeGaT Center For Human Genetics Tuebingen Variant Classification Criteria Version 2. Collection method: clinical testing. Allele origin: germline. Affected: yes. Observed: 1 variant allele.
Comment: RINT1: PM2

Literature cited by the submitters: PubMed 31204009 (cited by Labcorp Genetics (formerly Invitae), Labcorp).